The following is an entry in ClinVar:

NM_024334.3(TMEM43):c.1061G>A (p.Cys354Tyr)

Gene: TMEM43 (transmembrane protein 43; plus strand). Cytogenetic location: 3p25.1.
Variant type: single nucleotide variant.
Coding change: c.1061G>A on transcript NM_024334.3 (MANE Select); coding-DNA position 1061, G replaced by A.
Protein change: p.Cys354Tyr; replaces cysteine 354 with tyrosine.
Molecular consequence: missense variant.
Genome position (GRCh38, 1-based): chr3:14,141,653, G>A. VCF-style: chr3-14141653-G-A. GRCh37 (hg19) VCF-style: chr3-14183153-G-A.
Other names: short protein forms C354Y.
Identifiers: ClinVar variation 2653578 (VCV002653578.25), dbSNP rs187262922, ClinGen allele CA10615418.

ClinVar aggregate classification (germline): Uncertain significance. Review status: criteria provided, multiple submitters, no conflicts (2 of 4 stars). 2 submissions from 2 submitters: Uncertain significance (2). Last evaluated 2023-09-01.

Conditions:
Arrhythmogenic right ventricular dysplasia 5. Also called: Arrhythmogenic Right Ventricular Dysplasia/Cardiomyopathy 5; ARRHYTHMOGENIC RIGHT VENTRICULAR DYSPLASIA, FAMILIAL, 5. Identifiers: MedGen C1858379, MONDO:0011459, OMIM 604400.

Allele frequency attached by ClinVar (database versions not stated): TOPMed 0.00001.
gnomAD v4.1: 2 of 1,614,054 alleles (0.00012%); highest among the groups gnomAD compares: African/African-American, 0.0013%; no homozygotes.

Submissions (2):

CeGaT Center for Human Genetics Tuebingen
Classification: Uncertain significance. Last evaluated: 2023-09-01. Review status: criteria provided, single submitter. Criteria: CeGaT Center For Human Genetics Tuebingen Variant Classification Criteria Version 2. Collection method: clinical testing. Allele origin: germline. Affected: yes. Observed: 1 variant allele.
Comment: TMEM43: PM2

All of Us Research Program, National Institutes of Health
Classification: Uncertain significance for Arrhythmogenic right ventricular dysplasia 5. Last evaluated: 2023-08-15. Review status: criteria provided, single submitter. Criteria: ACMG Guidelines, 2015. Collection method: clinical testing. Allele origin: germline. Inheritance: Autosomal dominant inheritance. Observed: 1 variant allele, 1 heterozygote.
Comment: This study involves interpretation of variants in research participants for the purpose of population health screening. Participant phenotype was not available at the time of variant classification. Additional details can be found in publication PMID: 35346344, PMCID: PMC8962531